The following is an entry in ClinVar:

NM_014000.3(VCL):c.3331G>T (p.Ala1111Ser)

Gene: VCL (vinculin; plus strand). Cytogenetic location: 10q22.2.
Variant type: single nucleotide variant.
Coding change: c.3331G>T on transcript NM_014000.3 (MANE Select); coding-DNA position 3331, G replaced by T.
Protein change: p.Ala1111Ser; replaces alanine 1111 with serine.
Molecular consequence: missense variant.
Genome position (GRCh38, 1-based): chr10:74,118,095, G>T. VCF-style: chr10-74118095-G-T. GRCh37 (hg19) VCF-style: chr10-75877853-G-T.
Other names: c.3127G>T, p.Ala1043Ser (NM_003373.4); short protein forms A1043S, A1111S.
Identifiers: ClinVar variation 3979533 (VCV003979533.1).
Genomic context (GRCh38, chr10:74,118,095, plus strand): 5'-CTGGTTCACAATGCCCAGAACCTCATGCAGTCTGTGAAGGAGACTGTGCGGGAAGCTGAA[G>T]CTGCTTCAATCAAAATTCGAACAGATGCTGGATTTACACTGCGCTGGGTTAGAAAGACTC-3'
Protein context (NP_054706.1, residues 1101-1121): SVKETVREAE[Ala1111Ser]ASIKIRTDAG

ClinVar aggregate classification (germline): Uncertain significance (1 of 4 stars; one submission).

Conditions:
Cardiovascular phenotype. Identifiers: MedGen CN230736.

Submission:

Ambry Genetics
Classification: Uncertain significance for Cardiovascular phenotype. Last evaluated: 2025-04-30. Review status: criteria provided, single submitter. Criteria: Ambry Variant Classification Scheme 2023. Collection method: clinical testing. Allele origin: germline.
Comment: The p.A1111S variant (also known as c.3331G>T), located in coding exon 22 of the VCL gene, results from a G to T substitution at nucleotide position 3331. The alanine at codon 1111 is replaced by serine, an amino acid with similar properties. This amino acid position is conserved. In addition, this alteration is predicted to be tolerated by in silico analysis. Based on the available evidence, the clinical significance of this variant remains unclear.